The following is an entry in ClinVar:

GRCh37/hg19 16p13.11(chr16:15481748-16330672)x1

Genes: ABCC1 (ATP binding cassette subfamily C member 1 (ABCC1 blood group); plus strand), ABCC6 (ATP binding cassette subfamily C member 6; minus strand), BMERB1 (bMERB domain containing 1; plus strand), CEP20 (centrosomal protein 20; minus strand), MARF1 (meiosis regulator and mRNA stability factor 1; minus strand) and 4 more. Cytogenetic location: 16p13.11.
Variant type: copy number loss.
Change: copy number 1 (one copy instead of two) of chr16:15,481,748-16,330,672 (848.9 kb, GRCh37 coordinates, 1-based), cytogenetic band 16p13.11.
Identifiers: ClinVar variation 1808060 (VCV001808060.1).

ClinVar aggregate classification (germline): Pathogenic (1 of 4 stars; one submission).

Submission:

Quest Diagnostics Nichols Institute San Juan Capistrano
Classification: Pathogenic. Last evaluated: 2022-01-20. Review status: criteria provided, single submitter. Criteria: ACMG/ClinGen CNV Guidelines, 2019. Collection method: clinical testing. Allele origin: unknown.
Comment: This copy number loss is expected to cause phenotypic and/or developmental abnormalities. Inherited and de novo deletions involving 16p13.11 have been implicated in variable phenotypes ranging from normalcy to neurodevelopmental disorders with intellectual disability. A male-biased effect has been observed (Tropeano et al. PLoS One. 2013 Apr 18;8(4):e61365. PMID: 23637818; Nagamani et al., Eur J Hum Genet. 2010 19(3):280-6, PMID: 21150890; Hannes et al., 2009. J Med Genet. 46(4):223-32, PMID: 18550696; Ullmann et al., 2007. Hum Mutat. 28(7):674-82, PMID: 17480035). Inheritance from a normal or mildly affected parent has been reported, suggesting incomplete penetrance and variable expressivity. NDE1 (OMIM 609449) is the strongest candidate gene for the associated neurodevelopmental phenotypes. Other genes are likely contribute to thep henotype as well. Biallelic pathogenic variants of NDE1 are also associated with autosomal recessive lissencephaly 4 with microcephaly (OMIM 614019) and microhydranencephaly (OMIM 605013). Thus, the clinical significance of this copy number variation (CNV) has been interpreted as pathogenic.